The following is an entry in ClinVar:

NM_000435.3(NOTCH3):c.*544C>T

Gene: NOTCH3 (notch receptor 3; minus strand). Cytogenetic location: 19p13.12.
Variant type: single nucleotide variant.
Coding change: c.*544C>T on transcript NM_000435.3 (MANE Select); 544 bases downstream of the stop codon, C replaced by T.
Molecular consequence: 3 prime UTR variant.
Genome position (GRCh38, 1-based): chr19:15,160,118, G>A on the plus strand (C>T on the coding strand, the complement: NOTCH3 is on the minus strand). VCF-style: chr19-15160118-G-A. GRCh37 (hg19) VCF-style: chr19-15270929-G-A.
Identifiers: ClinVar variation 328364 (VCV000328364.5), dbSNP rs368577217, ClinGen allele CA10651563.

ClinVar aggregate classification (germline): Benign (1 of 4 stars; one submission).

Conditions:
Cerebral arteriopathy, autosomal dominant, with subcortical infarcts and leukoencephalopathy, type 1 (CADASIL1). Also called: CADASIL 1; Cerebral arteriopathy with subcortical infarcts and leukoencephalopathy 1; CASIL; DEMENTIA, HEREDITARY MULTIINFARCT TYPE. Identifiers: Orphanet 136, MedGen C4551768, MONDO:0000914, OMIM 125310.

Allele frequency attached by ClinVar (database versions not stated): gnomAD 0.00387 and 0.00412; 1000 Genomes Project 0.00319; TOPMed 0.00398; 1000 Genomes Project 30x 0.00297; gnomAD exomes 0.00551.
gnomAD v4.1: 1,078 of 234,816 alleles (0.46%); highest among the groups gnomAD compares: Middle Eastern, 1.8%; 11 homozygotes.

Submission:

Illumina Laboratory Services, Illumina
Classification: Benign for Cerebral arteriopathy, autosomal dominant, with subcortical infarcts and leukoencephalopathy, type 1. Last evaluated: 2018-01-13. Review status: criteria provided, single submitter. Criteria: ICSL Variant Classification Criteria 13 December 2019. Collection method: clinical testing. Allele origin: germline.
Comment: This variant was observed in the ICSL laboratory as part of a predisposition screen in an ostensibly healthy population. It had not been previously curated by ICSL or reported in the Human Gene Mutation Database (HGMD: prior to June 1st, 2018), and was therefore a candidate for classification through an automated scoring system. Utilizing variant allele frequency, disease prevalence and penetrance estimates, and inheritance mode, an automated score was calculated to assess if this variant is too frequent to cause the disease. Based on the score and internal cut-off values, a variant classified as benign is not then subjected to further curation. The score for this variant resulted in a classification of benign for this disease.